The following is an entry in ClinVar:

ClinVar aggregate classification (germline): Uncertain significance (1 of 4 stars; one submission).

gnomAD v4.1: 2 of 1,611,074 alleles (0.00012%); highest among the groups gnomAD compares: Non-Finnish European, 0.00017%; no homozygotes.

Submission:

Labcorp Genetics (formerly Invitae), Labcorp
Classification: Uncertain significance. Last evaluated: 2020-10-07. Review status: criteria provided, single submitter. Criteria: Invitae Variant Classification Sherloc (09022015). Collection method: clinical testing. Allele origin: germline.
Comment: This sequence change replaces serine with asparagine at codon 636 of the ZNF408 protein (p.Ser636Asn). The serine residue is highly conserved and there is a small physicochemical difference between serine and asparagine. This variant is not present in population databases (ExAC no frequency). This variant has not been reported in the literature in individuals with ZNF408-related conditions. Algorithms developed to predict the effect of missense changes on protein structure and function are either unavailable or do not agree on the potential impact of this missense change (SIFT: "Deleterious"; PolyPhen-2: "Benign"; Align-GVGD: "Class C0"). In summary, the available evidence is currently insufficient to determine the role of this variant in disease. Therefore, it has been classified as a Variant of Uncertain Significance.

NM_024741.3(ZNF408):c.1907G>A (p.Ser636Asn)

Gene: ZNF408 (zinc finger protein 408; plus strand). Cytogenetic location: 11p11.2.
Variant type: single nucleotide variant.
Coding change: c.1907G>A on transcript NM_024741.3 (MANE Select); coding-DNA position 1907, G replaced by A.
Protein change: p.Ser636Asn; replaces serine 636 with asparagine.
Molecular consequence: missense variant.
Genome position (GRCh38, 1-based): chr11:46,705,607, G>A. VCF-style: chr11-46705607-G-A. GRCh37 (hg19) VCF-style: chr11-46727157-G-A.
Other names: c.1883G>A, p.Ser628Asn (NM_001184751.2); short protein forms S628N, S636N.
Identifiers: ClinVar variation 1036127 (VCV001036127.8), dbSNP rs755215058, ClinGen allele CA380257779.